The following is an entry in ClinVar:

NM_000038.6(APC):c.3186_3187del (p.Gln1062_Ser1063insTer)

Gene: APC (APC regulator of Wnt signaling pathway; plus strand). Cytogenetic location: 5q22.2.
Variant type: Deletion.
Coding change: c.3186_3187del on transcript NM_000038.6 (MANE Select); coding-DNA positions 3186 to 3187, 2 bases deleted (AA; older notation c.3186_3187delAA).
Protein change: p.Gln1062_Ser1063insTer.
Molecular consequence: frameshift variant.
Genome position (GRCh38, 1-based): chr5:112,838,780-112,838,781, AA deleted; deleting any 2 consecutive bases within chr5:112,838,779-112,838,781 gives the same sequence; the c. name uses the placement nearest the transcript's 3' end. VCF-style (leftmost placement, unchanged base first): chr5-112838778-CAA-C. GRCh37 (hg19) VCF-style: chr5-112174475-CAA-C.
Other names: c.3186_3187del, p.Gln1062_Ser1063insTer (NM_001127510.3, NM_001354895.2); c.3132_3133del, p.Gln1044_Ser1045insTer (NM_001127511.3); c.3240_3241del, p.Gln1080_Ser1081insTer (NM_001354896.2); c.3216_3217del, p.Gln1072_Ser1073insTer (NM_001354897.2); c.3111_3112del, p.Gln1037_Ser1038insTer (NM_001354898.2); c.3102_3103del, p.Gln1034_Ser1035insTer (NM_001354899.2); c.3063_3064del, p.Gln1021_Ser1022insTer (NM_001354900.2); c.3009_3010del, p.Gln1003_Ser1004insTer (NM_001354901.2); and 5 more.
Identifiers: ClinVar variation 411539 (VCV000411539.13), dbSNP rs1060503362, ClinGen allele CA16611662.

ClinVar aggregate classification (germline): Pathogenic. Review status: criteria provided, multiple submitters, no conflicts (2 of 4 stars). 4 submissions from 4 submitters: Pathogenic (4). Last evaluated 2025-12-10.

Conditions:
Familial adenomatous polyposis 1 (FAP1). Also called: FAMILIAL ADENOMATOUS POLYPOSIS 1, ATTENUATED; POLYPOSIS, ADENOMATOUS INTESTINAL. Identifiers: MedGen C2713442, MONDO:0021056, OMIM 175100. Disease mechanism: loss of function.
Hereditary cancer-predisposing syndrome. Also called: Tumor predisposition; Hereditary Cancer Syndrome; Hereditary neoplastic syndrome; Neoplastic Syndromes, Hereditary. Identifiers: Orphanet 140162, MedGen C0027672, MeSH D009386, MONDO:0015356.

Submissions (4):

Ambry Genetics
Classification: Pathogenic for Hereditary cancer-predisposing syndrome. Last evaluated: 2025-12-10. Review status: criteria provided, single submitter. Criteria: Ambry Variant Classification Scheme 2023. Collection method: clinical testing. Allele origin: germline.
Comment: The c.3186_3187delAA pathogenic mutation, located in coding exon 15 of the APC gene, results from a deletion of two nucleotides at nucleotide positions 3186 to 3187, causing a translational frameshift with a predicted alternate stop codon (p.S1063*). This mutation has been reported in multiple FAP families (Gismondi V et al. Hum Mutat, 1997;9:370-3; Vandrovcov&aacute; J et al. Hum Mutat, 2004 Apr;23:397; Friedl W et al. Hered Cancer Clin Pract, 2005 Sep;3:95-114; Aceto G et al. Hum Mutat, 2005 Oct;26:39; Papp J et al. Fam Cancer, 2016 Jan;15:85-97). This variant is considered to be rare based on population cohorts in the Genome Aggregation Database (gnomAD). In addition to the clinical data presented in the literature, this alteration is expected to result in loss of function by premature protein truncation. As such, this alteration is interpreted as a disease-causing mutation.

3billion
Classification: Pathogenic for Familial adenomatous polyposis 1. Last evaluated: 2023-12-26. Review status: criteria provided, single submitter. Criteria: ACMG Guidelines, 2015. Collection method: clinical testing. Allele origin: germline. Affected: yes.
Comment: The variant is not observed in the gnomAD v2.1.1 dataset. Predicted Consequence/Location: Stop-gained (nonsense): predicted to result in a loss or disruption of normal protein function through protein truncation. The predicted truncated protein may be shortened by more than 10%. The variant has been reported at least twice as pathogenic with clinical assertions and evidence for the classification (ClinVar ID: VCV000411539 /PMID: 9101302). Therefore, this variant is classified as Pathogenic according to the recommendation of ACMG/AMP guideline.

Labcorp Genetics (formerly Invitae), Labcorp
Classification: Pathogenic for Familial adenomatous polyposis 1. Last evaluated: 2023-10-09. Review status: criteria provided, single submitter. Criteria: Invitae Variant Classification Sherloc (09022015). Collection method: clinical testing. Allele origin: germline.
Comment: This sequence change creates a premature translational stop signal (p.Ser1063*) in the APC gene. While this is not anticipated to result in nonsense mediated decay, it is expected to disrupt the last 1781 amino acid(s) of the APC protein. This variant is not present in population databases (gnomAD no frequency). This premature translational stop signal has been observed in individual(s) with familial adenomatous polyposis (PMID: 9101302, 14961559, 15024739, 15108288, 16134147, 20223039, 20685668, 26446593). ClinVar contains an entry for this variant (Variation ID: 411539). This variant is expected to disrupt the EB1 and HDLG binding sites, which mediate interactions with the cytoskeleton (PMID: 15311282, 17293347). While functional studies have not been performed to directly test the effect on APC protein function, this suggests that disruption of the C-terminal portion of the protein is functionally important. A different truncation (p.Tyr2645Lysfs*14) that lies downstream of this variant has been determined to be pathogenic (PMID: 9824584, 1316610, 27081525, 8381579, 22135120, Invitae). This suggests that deletion of this region of the APC protein is causative of disease. For these reasons, this variant has been classified as Pathogenic.

Myriad Genetics, Inc.
Classification: Pathogenic for Familial adenomatous polyposis 1. Last evaluated: 2023-05-05. Review status: criteria provided, single submitter. Criteria: Myriad Autosomal Dominant, Autosomal Recessive and X-Linked Classification Criteria (2023). Collection method: clinical testing. Allele origin: unknown.
Comment: This variant is considered pathogenic. This variant creates a termination codon and is predicted to result in premature protein truncation.

Literature cited by the submitters: PubMed 15024739 (cited by Ambry Genetics and Labcorp Genetics (formerly Invitae), Labcorp); PubMed 16134147 (cited by Ambry Genetics and Labcorp Genetics (formerly Invitae), Labcorp); PubMed 20223039 (cited by Ambry Genetics and Labcorp Genetics (formerly Invitae), Labcorp); PubMed 26446593 (cited by Ambry Genetics and Labcorp Genetics (formerly Invitae), Labcorp); PubMed 9101302 (cited by 3 submitters); PubMed 14961559 (cited by Labcorp Genetics (formerly Invitae), Labcorp); PubMed 15108288 (cited by Labcorp Genetics (formerly Invitae), Labcorp); PubMed 20685668 (cited by Labcorp Genetics (formerly Invitae), Labcorp); PubMed 15311282 (cited by Labcorp Genetics (formerly Invitae), Labcorp); PubMed 17293347 (cited by Labcorp Genetics (formerly Invitae), Labcorp); PubMed 9824584 (cited by Labcorp Genetics (formerly Invitae), Labcorp); PubMed 1316610 (cited by Labcorp Genetics (formerly Invitae), Labcorp); PubMed 27081525 (cited by Labcorp Genetics (formerly Invitae), Labcorp); PubMed 8381579 (cited by Labcorp Genetics (formerly Invitae), Labcorp); PubMed 22135120 (cited by Labcorp Genetics (formerly Invitae), Labcorp).